The following is an entry in ClinVar:

ClinVar aggregate classification (germline): Likely pathogenic (1 of 4 stars; one submission).

Submission:

GeneDx
Classification: Likely pathogenic. Last evaluated: 2014-03-31. Review status: criteria provided, single submitter. Criteria: GeneDx Variant Classification (06012015). Collection method: clinical testing. Allele origin: germline. Affected: yes.
Comment: p.Leu79Gln (CTG>CAG): c.236 T>A in exon 3 of the ETFB gene (NM_001985.2). An L79Q variant that is likely pathogenic was identified in the ETFB gene. It has not been published as a mutation, nor has it been reported as a benign polymorphism to our knowledge. The L79Q variant is a non-conservative amino acid substitution, which is likely to impact secondary protein structure as these residues differ in polarity, charge, size and/or other properties. This substitution occurs at a position that is highly conserved across species. In silico analysis predicts this variant is probably damaging to the protein structure/function. Therefore, this variant is a strong candidate for a pathogenic mutation, however the possibility that it is a benign variant cannot be excluded. The variant is found in UCD-MET panel(s).

NM_001985.3(ETFB):c.236T>A (p.Leu79Gln)

Gene: ETFB (electron transfer flavoprotein subunit beta; minus strand). Cytogenetic location: 19q13.41.
Variant type: single nucleotide variant.
Coding change: c.236T>A on transcript NM_001985.3 (MANE Select); coding-DNA position 236, T replaced by A.
Protein change: p.Leu79Gln; replaces leucine 79 with glutamine.
Molecular consequence: missense variant.
Genome position (GRCh38, 1-based): chr19:51,353,271, A>T on the plus strand (T>A on the coding strand, the complement: ETFB is on the minus strand). VCF-style: chr19-51353271-A-T. GRCh37 (hg19) VCF-style: chr19-51856525-A-T.
Other names: p.L79Q:CTG>CAG; c.509T>A, p.Leu170Gln (NM_001014763.1); short protein forms L79Q, L170Q.
Identifiers: ClinVar variation 203704 (VCV000203704.2), dbSNP rs770665020, ClinGen allele CA312508.